The following is an entry in ClinVar:

ClinVar aggregate classification (germline): Uncertain significance. Review status: criteria provided, multiple submitters, no conflicts (2 of 4 stars). 2 submissions from 2 submitters: Uncertain significance (2). Last evaluated 2025-04-09.

Conditions:
Hereditary breast ovarian cancer syndrome. Also called: Hereditary breast and ovarian cancer; Hereditary breast and ovarian cancer syndrome (HBOC); Hereditary breast and/or ovarian cancer syndrome; Hereditary breast and ovarian cancer syndrome; Breast and ovarian cancer; BRCA1- and BRCA2-Associated Hereditary Breast and Ovarian Cancer. Identifiers: Orphanet 145, MedGen C0677776, MeSH D061325, MONDO:0003582. Disease mechanism: loss of function.

Allele frequency attached by ClinVar (database versions not stated): 1000 Genomes Project 0.00060; ExAC 0.00015; ESP Exome Variant Server 0.00049; gnomAD exomes 0.00004 and 0.00013; gnomAD 0.00049 and 0.00046; TOPMed 0.00054; 1000 Genomes Project 30x 0.00062.
gnomAD v4.1: 138 of 1,613,666 alleles (0.0086%); highest among the groups gnomAD compares: African/African-American, 0.14%; no homozygotes.

Submissions (2):

Mayo Clinic Laboratories, Mayo Clinic
Classification: Uncertain significance. Last evaluated: 2025-04-09. Review status: criteria provided, single submitter. Criteria: ACMG Guidelines, 2015. Collection method: clinical testing. Allele origin: germline. Observed: 1 variant allele.
Comment: PP3

Molecular Oncology Research Center, Barretos Cancer Hospital
Classification: Uncertain significance for Hereditary breast ovarian cancer syndrome. Last evaluated: 2020-08-01. Review status: criteria provided, single submitter. Criteria: ACMG Guidelines, 2015. Collection method: research. Allele origin: germline. Affected: yes. Observed: 1 variant allele.

NM_001145160.2(TPM4):c.59A>T (p.Asp20Val)

Gene: TPM4 (tropomyosin 4; plus strand). Cytogenetic location: 19p13.12.
Variant type: single nucleotide variant.
Coding change: c.59A>T on transcript NM_001145160.2; coding-DNA position 59, A replaced by T.
Protein change: p.Asp20Val; replaces aspartic acid 20 with valine.
Molecular consequence: missense variant. On other transcripts: 5 prime UTR variant (1).
Genome position (GRCh38, 1-based): chr19:16,067,683, A>T. VCF-style: chr19-16067683-A-T. GRCh37 (hg19) VCF-style: chr19-16178493-A-T.
Other names: p.Asp20Val; c.-214A>T (NM_001367836.1); short protein forms D20V.
Identifiers: ClinVar variation 981823 (VCV000981823.3), dbSNP rs373696275, ClinGen allele CA9275237.